The following is an entry in ClinVar:

ClinVar aggregate classification (germline): Pathogenic. Review status: criteria provided, single submitter (1 of 4 stars). 2 submissions from 2 submitters: Pathogenic (1). 1 of the submissions does not count toward it. Last evaluated 2024-02-05.

Conditions:
PMM2-congenital disorder of glycosylation. Also called: JAEKEN SYNDROME; PHOSPHOMANNOMUTASE 2 DEFICIENCY; CDG Ia; CARBOHYDRATE-DEFICIENT GLYCOPROTEIN SYNDROME, TYPE Ia; Congenital disorder of glycosylation, type Ia; PMM2-CDG. Identifiers: Orphanet 79318, MedGen C0349653, MONDO:0008907, OMIM 212065.

Submissions (2):

Labcorp Genetics (formerly Invitae), Labcorp
Classification: Pathogenic for PMM2-congenital disorder of glycosylation. Last evaluated: 2024-02-05. Review status: criteria provided, single submitter. Criteria: Invitae Variant Classification Sherloc (09022015). Collection method: clinical testing. Allele origin: germline.
Comment: This sequence change replaces aspartic acid, which is acidic and polar, with glutamic acid, which is acidic and polar, at codon 223 of the PMM2 protein (p.Asp223Glu). This variant is not present in population databases (gnomAD no frequency). This missense change has been observed in individual(s) with PMM2-related conditions (PMID: 9781039, 10602363). In at least one individual the data is consistent with being in trans (on the opposite chromosome) from a pathogenic variant. ClinVar contains an entry for this variant (Variation ID: 7714). Advanced modeling of protein sequence and biophysical properties (such as structural, functional, and spatial information, amino acid conservation, physicochemical variation, residue mobility, and thermodynamic stability) performed at Invitae indicates that this missense variant is expected to disrupt PMM2 protein function with a positive predictive value of 95%. Experimental studies have shown that this missense change affects PMM2 function (PMID: 10602363). For these reasons, this variant has been classified as Pathogenic.

OMIM
Classification: Pathogenic for CONGENITAL DISORDER OF GLYCOSYLATION, TYPE Ia. Last evaluated: 1998-07-01. Review status: no assertion criteria provided. Collection method: literature only. Allele origin: germline. Not counted in ClinVar's aggregate classification.

Literature cited by the submitters: PubMed 9781039 (cited by Labcorp Genetics (formerly Invitae), Labcorp and OMIM); PubMed 10602363 (cited by Labcorp Genetics (formerly Invitae), Labcorp).

NM_000303.3(PMM2):c.669C>G (p.Asp223Glu)

Gene: PMM2 (phosphomannomutase 2; plus strand). Cytogenetic location: 16p13.2.
Variant type: single nucleotide variant.
Coding change: c.669C>G on transcript NM_000303.3 (MANE Select); coding-DNA position 669, C replaced by G.
Protein change: p.Asp223Glu; replaces aspartic acid 223 with glutamic acid.
Molecular consequence: missense variant.
Genome position (GRCh38, 1-based): chr16:8,847,753, C>G. VCF-style: chr16-8847753-C-G. GRCh37 (hg19) VCF-style: chr16-8941610-C-G.
Other names: short protein forms D223E.
Identifiers: ClinVar variation 7714 (VCV000007714.3), dbSNP rs104894531, ClinGen allele CA254234.